The following is an entry in ClinVar:

NM_152594.3(SPRED1):c.573A>C (p.Gln191His)

Gene: SPRED1 (sprouty related EVH1 domain containing 1; plus strand). Cytogenetic location: 15q14.
Variant type: single nucleotide variant.
Coding change: c.573A>C on transcript NM_152594.3 (MANE Select); coding-DNA position 573, A replaced by C.
Protein change: p.Gln191His; replaces glutamine 191 with histidine.
Molecular consequence: missense variant.
Genome position (GRCh38, 1-based): chr15:38,339,886, A>C. VCF-style: chr15-38339886-A-C. GRCh37 (hg19) VCF-style: chr15-38632087-A-C.
Other names: short protein forms Q191H.
Identifiers: ClinVar variation 3800885 (VCV003800885.1).

ClinVar aggregate classification (germline): Uncertain significance (1 of 4 stars; one submission).

Conditions:
Cardiovascular phenotype. Identifiers: MedGen CN230736.

Submission:

Ambry Genetics
Classification: Uncertain significance for Cardiovascular phenotype. Last evaluated: 2025-01-24. Review status: criteria provided, single submitter. Criteria: Ambry Variant Classification Scheme 2023. Collection method: clinical testing. Allele origin: germline.
Comment: The p.Q191H variant (also known as c.573A>C), located in coding exon 5 of the SPRED1 gene, results from an A to C substitution at nucleotide position 573. The glutamine at codon 191 is replaced by histidine, an amino acid with highly similar properties. This amino acid position is conserved. In addition, this alteration is predicted to be tolerated by in silico analysis. Based on the available evidence, the clinical significance of this variant remains unclear.